The following is an entry in ClinVar:

NM_000213.5(ITGB4):c.847C>T (p.Arg283Cys)

Gene: ITGB4 (integrin subunit beta 4; plus strand). Cytogenetic location: 17q25.1.
Variant type: single nucleotide variant.
Coding change: c.847C>T on transcript NM_000213.5 (MANE Select); coding-DNA position 847, C replaced by T.
Protein change: p.Arg283Cys; replaces arginine 283 with cysteine.
Molecular consequence: missense variant.
Genome position (GRCh38, 1-based): chr17:75,730,349, C>T. VCF-style: chr17-75730349-C-T. GRCh37 (hg19) VCF-style: chr17-73726430-C-T.
Other names: c.847C>T, p.Arg283Cys (NM_001005619.2, NM_001005731.3, NM_001321123.2); short protein forms R283C.
Identifiers: ClinVar variation 1048060 (VCV001048060.2), dbSNP rs1422797135, ClinGen allele CA401042469.

ClinVar aggregate classification (germline): Pathogenic/Likely pathogenic. Review status: criteria provided, multiple submitters, no conflicts (2 of 4 stars). 2 submissions from 2 submitters: Pathogenic (1); Likely pathogenic (1). Last evaluated 2026-03-13.

Conditions:
Fetal anomalies with a likely genetic cause.
Junctional epidermolysis bullosa with pyloric atresia. Also called: EB-PA-ACC; ITGB4-Related Epidermolysis Bullosa with Pyloric Atresia; Junctional Epidermolysis Bullosa- Pyloric Atresia Syndrome; Epidermolysis bullosa, junctional, with pyloric atresia and aplasia cutis congenita; Epidermolysis bullosa junctionalis with pyloric atresia; APLASIA CUTIS CONGENITA WITH GASTROINTESTINAL ATRESIA. Identifiers: Orphanet 79403, MedGen C5676875, MONDO:0009183, OMIM 226730.

Allele frequency attached by ClinVar (database versions not stated): gnomAD exomes 0.00001; TOPMed 0.00001.
gnomAD v4.1: 11 of 1,613,868 alleles (0.00068%); highest among the groups gnomAD compares: Non-Finnish European, 0.00093%; no homozygotes.

Submissions (2):

Genetics Laboratory, Great Ormond Street Hospital NHS Foundation Trust, North Thames Genomic Laboratory Hub
Classification: Likely pathogenic for Fetal anomalies with a likely genetic cause. Last evaluated: 2026-03-13. Review status: criteria provided, single submitter. Criteria: ACGS Best Practice Guidelines for Variant Classification in Rare Disease 2024 v1.2. Collection method: clinical testing. Allele origin: germline. Affected: yes.
Comment: PS4_supporting, PM2_moderate, PP3_supporting, PS3_supporting, PP4_supporting

Biomedical Innovation Departament, CIEMAT
Classification: Pathogenic for Epidermolysis bullosa junctionalis with pyloric atresia. Last evaluated: 2013-03-25. Review status: criteria provided, single submitter. Criteria: ACMG Guidelines, 2015. Collection method: research. Allele origin: germline. Affected: yes. Observed: 1 variant allele.

Literature cited by the submitters: PubMed 26739954 (cited by Biomedical Innovation Departament, CIEMAT).